The following is an entry in ClinVar:

NM_002474.3(MYH11):c.1923C>T (p.Ser641=)

Gene: MYH11 (myosin heavy chain 11; minus strand). Cytogenetic location: 16p13.11.
Variant type: single nucleotide variant.
Coding change: c.1923C>T on transcript NM_002474.3 (MANE Select); coding-DNA position 1923, C replaced by T.
Protein change: p.Ser641=; no amino-acid change (serine 641 retained).
Molecular consequence: synonymous variant.
Genome position (GRCh38, 1-based): chr16:15,750,273, G>A on the plus strand (C>T on the coding strand, the complement: MYH11 is on the minus strand). VCF-style: chr16-15750273-G-A. GRCh37 (hg19) VCF-style: chr16-15844130-G-A.
Other names: c.1944C>T, p.Ser648= (NM_001040113.2, NM_001040114.2); c.1923C>T, p.Ser641= (NM_022844.3).
Identifiers: ClinVar variation 380730 (VCV000380730.18), dbSNP rs530466304, ClinGen allele CA7922466.

ClinVar aggregate classification (germline): Likely benign. Review status: criteria provided, multiple submitters, no conflicts (2 of 4 stars). 5 submissions from 5 submitters: Likely benign (5). Last evaluated 2025-12-15.

Conditions:
Familial thoracic aortic aneurysm and aortic dissection (TAAD). Also called: Thoracic aortic aneurysms and dissections. Identifiers: Orphanet 91387, MedGen C4707243, MONDO:0019625.
Aortic aneurysm, familial thoracic 4 (AAT4). Also called: AORTIC ANEURYSM/AORTIC DISSECTION AND PATENT DUCTUS ARTERIOSUS. Identifiers: MedGen C1851504, MONDO:0007568, OMIM 132900.

Allele frequency attached by ClinVar (database versions not stated): gnomAD 0.00003; TOPMed 0.00005; 1000 Genomes Project 30x 0.00016; 1000 Genomes Project 0.00020; ExAC 0.00001; gnomAD exomes 0.00001.
gnomAD v4.1: 34 of 1,613,996 alleles (0.0021%); highest among the groups gnomAD compares: South Asian, 0.0066%; no homozygotes.

Submissions (5):

Labcorp Genetics (formerly Invitae), Labcorp
Classification: Likely benign for Aortic aneurysm, familial thoracic 4. Last evaluated: 2025-12-15. Review status: criteria provided, single submitter. Criteria: Invitae Variant Classification Sherloc (09022015). Collection method: clinical testing. Allele origin: germline.

All of Us Research Program, National Institutes of Health
Classification: Likely benign for Familial thoracic aortic aneurysm and aortic dissection. Last evaluated: 2024-02-05. Review status: criteria provided, single submitter. Criteria: ACMG Guidelines, 2015. Collection method: clinical testing. Allele origin: germline. Inheritance: Autosomal dominant inheritance. Observed: 11 variant alleles, 11 heterozygotes.
Comment: This study involves interpretation of variants in research participants for the purpose of population health screening. Participant phenotype was not available at the time of variant classification. Additional details can be found in publication PMID: 35346344, PMCID: PMC8962531

GeneDx
Classification: Likely benign. Last evaluated: 2020-10-27. Review status: criteria provided, single submitter. Criteria: GeneDx Variant Classification Process June 2021. Collection method: clinical testing. Allele origin: germline. Affected: yes.

Ambry Genetics
Classification: Likely benign for Familial thoracic aortic aneurysm and aortic dissection. Last evaluated: 2019-05-16. Review status: criteria provided, single submitter. Criteria: Ambry Variant Classification Scheme 2023. Collection method: clinical testing. Allele origin: germline.

Color Diagnostics, LLC DBA Color Health
Classification: Likely benign for Familial thoracic aortic aneurysm and aortic dissection. Last evaluated: 2018-11-25. Review status: criteria provided, single submitter. Criteria: ACMG Guidelines, 2015. Collection method: clinical testing. Allele origin: germline.